The following is an entry in ClinVar:

ClinVar aggregate classification (germline): Likely benign (0 of 4 stars; one submission).

Conditions:
PTPRD-related disorder. Also called: PTPRD-related condition.

Allele frequency attached by ClinVar (database versions not stated): ExAC 0.00004; gnomAD 0.00006; TOPMed 0.00006; ESP Exome Variant Server 0.00015; 1000 Genomes Project 30x 0.00016; 1000 Genomes Project 0.00020.
gnomAD v4.1: 63 of 1,613,930 alleles (0.0039%); highest among the groups gnomAD compares: Middle Eastern, 0.017%; no homozygotes.

Submissions (2):

PreventionGenetics, part of Exact Sciences
Classification: Likely benign for PTPRD-related condition. Last evaluated: 2019-08-15. Review status: no assertion criteria provided. Collection method: clinical testing. Allele origin: germline.
Comment: This variant is classified as likely benign based on ACMG/AMP sequence variant interpretation guidelines (Richards et al. 2015 PMID: 25741868, with internal and published modifications).

Dr. Peter K. Rogan Lab, Western University
No classification provided (evidence only). Condition: Gastric cancer. Review status: no classification provided. Collection method: in vitro. Allele origin: not applicable. Functional consequence: retained intron. Not counted in ClinVar's aggregate classification.

NM_002839.4(PTPRD):c.750C>T (p.Gly250=)

Gene: PTPRD (protein tyrosine phosphatase receptor type D; minus strand). Cytogenetic location: 9p24.1.
Variant type: single nucleotide variant.
Coding change: c.750C>T on transcript NM_002839.4 (MANE Select); coding-DNA position 750, C replaced by T.
Protein change: p.Gly250=; no amino-acid change (glycine 250 retained).
Molecular consequence: synonymous variant.
Genome position (GRCh38, 1-based): chr9:8,521,488, G>A on the plus strand (C>T on the coding strand, the complement: PTPRD is on the minus strand). VCF-style: chr9-8521488-G-A. GRCh37 (hg19) VCF-style: chr9-8521488-G-A.
Other names: NC_000009.11:g.8521488G>A; c.741C>T, p.Gly247= (NM_001040712.2, NM_001377947.1); c.720C>T, p.Gly240= (NM_001171025.2); c.732C>T, p.Gly244= (NM_001377946.1, NM_130393.3); c.750C>T, p.Gly250= (NM_001377958.1, NM_001378058.1, NM_130391.4 and 1 more transcripts).
Identifiers: ClinVar variation 3053140 (VCV003053140.3), dbSNP rs147417729, ClinGen allele CA4984660.
Genomic context (GRCh38, chr9:8,521,488, plus strand): 5'-CATCCACTTTACATAAGGCATTGGTGACCCCACGGCCACACAGGTGATATTAACGCTTCC[G>A]CCTGGCATGATTTCATGATTAGTGGGTGGGATAGAGAATCTTGGTGGGACACGGCGAACT-3'
Protein context (NP_002830.1, residues 240-260): IPPTNHEIMP[Gly250=]GSVNITCVAV